The following is an entry in ClinVar:

ClinVar aggregate classification (germline): Uncertain significance (1 of 4 stars; one submission).

Conditions:
Cardiovascular phenotype. Identifiers: MedGen CN230736.

Allele frequency attached by ClinVar (database versions not stated): gnomAD exomes below 0.00001; ExAC 0.00001; gnomAD 0.00001; TOPMed 0.00001.
gnomAD v4.1: 4 of 1,613,786 alleles (0.00025%); highest among the groups gnomAD compares: African/African-American, 0.0053%; no homozygotes.

Submission:

Ambry Genetics
Classification: Uncertain significance for Cardiovascular phenotype. Last evaluated: 2024-02-09. Review status: criteria provided, single submitter. Criteria: Ambry Variant Classification Scheme 2023. Collection method: clinical testing. Allele origin: germline.
Comment: The p.G159E variant (also known as c.476G>A), located in coding exon 4 of the EFEMP2 gene, results from a G to A substitution at nucleotide position 476. The glycine at codon 159 is replaced by glutamic acid, an amino acid with similar properties. This amino acid position is conserved. In addition, this alteration is predicted to be deleterious by in silico analysis. Based on the available evidence, the clinical significance of this alteration remains unclear.

NM_016938.5(EFEMP2):c.476G>A (p.Gly159Glu)

Gene: EFEMP2 (EGF containing fibulin extracellular matrix protein 2; minus strand). Cytogenetic location: 11q13.1.
Variant type: single nucleotide variant.
Coding change: c.476G>A on transcript NM_016938.5 (MANE Select); coding-DNA position 476, G replaced by A.
Protein change: p.Gly159Glu; replaces glycine 159 with glutamic acid.
Molecular consequence: missense variant. On other transcripts: non-coding transcript variant (1).
Genome position (GRCh38, 1-based): chr11:65,870,550, C>T on the plus strand (G>A on the coding strand, the complement: EFEMP2 is on the minus strand). VCF-style: chr11-65870550-C-T. GRCh37 (hg19) VCF-style: chr11-65638021-C-T.
Other names: short protein forms G159E.
Identifiers: ClinVar variation 3226930 (VCV003226930.1), dbSNP rs755635112, ClinGen allele CA6110658.